The following is an entry in ClinVar:

ClinVar aggregate classification (germline): Pathogenic. Review status: criteria provided, single submitter (1 of 4 stars). 2 submissions from 2 submitters: Pathogenic (1). 1 of the submissions does not count toward it. Last evaluated 2022-09-01.

Conditions:
Polycystic kidney disease 5. Identifiers: MedGen C4539903, MONDO:0033281, OMIM 617610.

Allele frequency attached by ClinVar (database versions not stated): gnomAD exomes below 0.00001.
gnomAD v4.1: 2 of 1,609,734 alleles (0.00012%); highest among the groups gnomAD compares: Non-Finnish European, 0.000085%; no homozygotes.

Submissions (2):

3billion
Classification: Pathogenic for Polycystic kidney disease 5. Last evaluated: 2022-09-01. Review status: criteria provided, single submitter. Criteria: ACMG Guidelines, 2015. Collection method: clinical testing. Allele origin: germline. Affected: yes. Observed: 1 homozygote.
Comment: The variant is not observed in the gnomAD v2.1.1 dataset. This stop-gained (nonsense) is predicted to result in a loss or disruption of normal protein function through nonsense-mediated decay (NMD) or protein truncation. Multiple pathogenic variants are reported downstream of the variant. This homozygous variant has been reported to be associated with DZIP1L-related disorder (ClinVar ID: VCV000431433/ PMID: 28530676). Therefore, this variant is classified as Pathogenic according to the recommendation of ACMG/AMP guideline.

OMIM
Classification: Pathogenic for POLYCYSTIC KIDNEY DISEASE 5. Last evaluated: 2017-08-07. Review status: no assertion criteria provided. Collection method: literature only. Allele origin: germline. Not counted in ClinVar's aggregate classification.

Literature cited by the submitters: PubMed 28530676 (cited by 3billion and OMIM).

NM_173543.3(DZIP1L):c.463C>T (p.Gln155Ter)

Gene: DZIP1L (DAZ interacting zinc finger protein 1 like; minus strand). Cytogenetic location: 3q22.3.
Variant type: single nucleotide variant.
Coding change: c.463C>T on transcript NM_173543.3 (MANE Select); coding-DNA position 463, C replaced by T.
Protein change: p.Gln155Ter; replaces glutamine 155 with a stop codon.
Molecular consequence: nonsense.
Genome position (GRCh38, 1-based): chr3:138,103,509, G>A on the plus strand (C>T on the coding strand, the complement: DZIP1L is on the minus strand). VCF-style: chr3-138103509-G-A. GRCh37 (hg19) VCF-style: chr3-137822351-G-A.
Other names: c.463C>T, p.Gln155Ter (NM_001170538.1); short protein forms Q155*.
Identifiers: ClinVar variation 431433 (VCV000431433.2), dbSNP rs1135402755, ClinGen allele CA354681055.